The following is an entry in ClinVar:

NM_002519.3(NPAT):c.4067C>T (p.Thr1356Ile)

Gene: NPAT (nuclear protein, coactivator of histone transcription; minus strand). Cytogenetic location: 11q22.3.
Variant type: single nucleotide variant.
Coding change: c.4067C>T on transcript NM_002519.3 (MANE Select); coding-DNA position 4067, C replaced by T.
Protein change: p.Thr1356Ile; replaces threonine 1356 with isoleucine.
Molecular consequence: missense variant.
Genome position (GRCh38, 1-based): chr11:108,161,019, G>A on the plus strand (C>T on the coding strand, the complement: NPAT is on the minus strand). VCF-style: chr11-108161019-G-A. GRCh37 (hg19) VCF-style: chr11-108031746-G-A.
Other names: c.4088C>T, p.Thr1363Ile (NM_001321307.1); short protein forms T1356I, T1363I.
Identifiers: ClinVar variation 1737507 (VCV001737507.2), dbSNP rs751869815, ClinGen allele CA6263484.

ClinVar aggregate classification (germline): Uncertain significance (1 of 4 stars; one submission).

Allele frequency attached by ClinVar (database versions not stated): gnomAD exomes below 0.00001; TOPMed below 0.00001; ExAC 0.00001; gnomAD 0.00001.
gnomAD v4.1: 4 of 1,613,998 alleles (0.00025%); highest among the groups gnomAD compares: Non-Finnish European, 0.00025%; no homozygotes.

Submission:

Ambry Genetics
Classification: Uncertain significance. Last evaluated: 2022-07-08. Review status: criteria provided, single submitter. Criteria: Ambry Variant Classification Scheme 2023. Collection method: clinical testing. Allele origin: germline.
Comment: The p.T1356I variant (also known as c.4067C>T), located in coding exon 17 of the NPAT gene, results from a C to T substitution at nucleotide position 4067. The threonine at codon 1356 is replaced by isoleucine, an amino acid with similar properties. This amino acid position is conserved. In addition, this alteration is predicted to be tolerated by in silico analysis. Since supporting evidence is limited at this time, the clinical significance of this alteration remains unclear.